The following is an entry in ClinVar:

NM_015335.5(MED13L):c.1525G>A (p.Gly509Arg)

Gene: MED13L (mediator complex subunit 13L; minus strand). Cytogenetic location: 12q24.21.
Variant type: single nucleotide variant.
Coding change: c.1525G>A on transcript NM_015335.5 (MANE Select); coding-DNA position 1525, G replaced by A.
Protein change: p.Gly509Arg; replaces glycine 509 with arginine.
Molecular consequence: missense variant.
Genome position (GRCh38, 1-based): chr12:116,008,888, C>T on the plus strand (G>A on the coding strand, the complement: MED13L is on the minus strand). VCF-style: chr12-116008888-C-T. GRCh37 (hg19) VCF-style: chr12-116446693-C-T.
Other names: short protein forms G509R.
Identifiers: ClinVar variation 1487223 (VCV001487223.6), dbSNP rs1427629915, ClinGen allele CA386896157.
Genomic context (GRCh38, chr12:116,008,888, plus strand): 5'-TTTGCTTATCATATTTCCTACTGCTAGACACCTCTAAGGAGGAGTCTATCCCTGCCAACC[C>T]TAGTTTCTGTCCTGGTGTATCTTGCTCCATGCATAATTCTTCGGCCACAGAGGGCCTATG-3'
Protein context (NP_056150.1, residues 499-519): MEQDTPGQKL[Gly509Arg]LAGIDSSLEV

ClinVar aggregate classification (germline): Uncertain significance (1 of 4 stars; one submission).

Conditions:
Dextro-looped transposition of the great arteries. Also called: Dextrotransposition of the great arteries. Identifiers: Orphanet 860, MedGen C3531771, MONDO:0019443, OMIM 608808, HP:0031348.

Allele frequency attached by ClinVar (database versions not stated): gnomAD exomes below 0.00001; gnomAD 0.00001.

Submission:

Labcorp Genetics (formerly Invitae), Labcorp
Classification: Uncertain significance for Dextro-looped transposition of the great arteries. Last evaluated: 2021-11-14. Review status: criteria provided, single submitter. Criteria: Invitae Variant Classification Sherloc (09022015). Collection method: clinical testing. Allele origin: germline.
Comment: In summary, the available evidence is currently insufficient to determine the role of this variant in disease. Therefore, it has been classified as a Variant of Uncertain Significance. Advanced modeling of protein sequence and biophysical properties (such as structural, functional, and spatial information, amino acid conservation, physicochemical variation, residue mobility, and thermodynamic stability) performed at Invitae indicates that this missense variant is not expected to disrupt MED13L protein function. This variant has not been reported in the literature in individuals affected with MED13L-related conditions. This variant is present in population databases (no rsID available, gnomAD 0.02%). This sequence change replaces glycine, which is neutral and non-polar, with arginine, which is basic and polar, at codon 509 of the MED13L protein (p.Gly509Arg).